The following is an entry in ClinVar:

ClinVar aggregate classification (germline): Uncertain significance (1 of 4 stars; one submission).

Conditions:
Leigh syndrome (NULS). Also called: Leigh's necrotizing encephalopathy; Leigh's disease; Leigh Syndrome (mtDNA deletion); Leigh Disease; Subacute necrotizing encephalopathy; Necrotizing encephalopathy infantile subacute of Leigh. Identifiers: Orphanet 506, MedGen C2931891, MONDO:0009723, OMIM 256000.

Submission:

Wong Mito Lab, Molecular and Human Genetics, Baylor College of Medicine
Classification: Uncertain significance for Leigh syndrome. Last evaluated: 2019-10-17. Review status: criteria provided, single submitter. Criteria: Modified ACMG Guidelines (Unpublished). Collection method: clinical testing. Allele origin: germline.
Comment: The NC_012920.1:m.10158T>A (YP_003024033.1:p.Ser34Thr) variant in MTND3 gene is interpretated to be a Uncertain Significance variant based on the modified ACMG guidelines (unpublished). This variant meets the following evidence codes: BP4

NC_012920.1(MT-ND3):m.10158T>A

Gene: MT-ND3 (mitochondrially encoded NADH dehydrogenase 3; plus strand).
Variant type: single nucleotide variant.
Genome position: chrM-10158-T-A.
Identifiers: ClinVar variation 693267 (VCV000693267.1), dbSNP rs199476117, ClinGen allele CA414804399.